The following is an entry in ClinVar:

ClinVar aggregate classification (germline): Uncertain significance (1 of 4 stars; one submission).

gnomAD v4.1: 4 of 1,516,060 alleles (0.00026%); highest among the groups gnomAD compares: African/African-American, 0.0014%; no homozygotes.

Submission:

Ambry Genetics
Classification: Uncertain significance. Last evaluated: 2024-11-23. Review status: criteria provided, single submitter. Criteria: Ambry Variant Classification Scheme 2023. Collection method: clinical testing. Allele origin: germline.
Comment: The p.S1899C variant (also known as c.5695A>T), located in coding exon 22 of the WNK2 gene, results from an A to T substitution at nucleotide position 5695. The serine at codon 1899 is replaced by cysteine, an amino acid with dissimilar properties. This amino acid position is conserved. In addition, this alteration is predicted to be tolerated by in silico analysis. Based on the available evidence, the clinical significance of this variant remains unclear.

NM_006648.4(WNK2):c.5695A>T (p.Ser1899Cys)

Gene: WNK2 (WNK lysine deficient protein kinase 2; plus strand). Cytogenetic location: 9q22.31.
Variant type: single nucleotide variant.
Coding change: c.5695A>T on transcript NM_006648.4 (MANE Select); coding-DNA position 5695, A replaced by T.
Protein change: p.Ser1899Cys; replaces serine 1899 with cysteine.
Molecular consequence: missense variant.
Genome position (GRCh38, 1-based): chr9:93,293,160, A>T. VCF-style: chr9-93293160-A-T. GRCh37 (hg19) VCF-style: chr9-96055442-A-T.
Other names: c.5806A>T, p.Ser1936Cys (NM_001282394.3); short protein forms S1899C, S1936C.
Identifiers: ClinVar variation 3470338 (VCV003470338.1).